The following is an entry in ClinVar:

ClinVar aggregate classification (germline): Conflicting classifications of pathogenicity. Review status: criteria provided, conflicting classifications (1 of 4 stars). 2 submissions from 2 submitters: Likely pathogenic (1); Uncertain significance (1). Last evaluated 2024-02-10.

Conditions:
Autosomal recessive nonsyndromic hearing loss 4 (DFNB4). Also called: NEUROSENSORY NONSYNDROMIC RECESSIVE DEAFNESS 4; FOXI1-Related Pendred Syndrome; KCNJ10-Related Pendred Syndrome; DEAFNESS, AUTOSOMAL RECESSIVE 4, WITH ENLARGED VESTIBULAR AQUEDUCT, DIGENIC; Nonsyndromic enlarged vestibular aqueduct (NSEVA); Deafness, autosomal recessive 4, with enlarged vestibular aqueduct. Identifiers: Orphanet 90636, MedGen C3538946, MONDO:0010933, OMIM 600791.
Pendred syndrome (PDS). Also called: THYROID DYSHORMONOGENESIS 2B; THYROID HORMONOGENESIS, GENETIC DEFECT IN, 2B; Pendred Syndrome (PDS); GOITER-DEAFNESS SYNDROME; HYPOTHYROIDISM, CONGENITAL, DUE TO DYSHORMONOGENESIS, 2B; DEAFNESS WITH GOITER. Identifiers: Orphanet 705, MedGen C0271829, MONDO:0010134, OMIM 274600.

Submissions (2):

Fulgent Genetics
Classification: Likely pathogenic for Pendred syndrome; Autosomal recessive nonsyndromic hearing loss 4. Last evaluated: 2024-02-10. Review status: criteria provided, single submitter. Criteria: ACMG Guidelines, 2015. Collection method: clinical testing. Allele origin: germline.

Labcorp Genetics (formerly Invitae), Labcorp
Classification: Uncertain significance. Last evaluated: 2018-01-11. Review status: criteria provided, single submitter. Criteria: Invitae Variant Classification Sherloc (09022015). Collection method: clinical testing. Allele origin: germline.
Comment: Other missense substitutions at this codon (p.Pro76Leu and p.Pro76Ser) have been reported in individuals affected with hearing loss and enlarged vestibular aqueduct (PMID: 17718863, 17851929, 25372295, 27792752). In summary, the available evidence is currently insufficient to determine the role of this variant in disease. Therefore, it has been classified as a Variant of Uncertain Significance. This variant has not been reported in the literature in individuals with SLC26A4-related disease. Algorithms developed to predict the effect of missense changes on protein structure and function do not agree on the potential impact of this missense change (SIFT: "Deleterious"; PolyPhen-2: "Probably Damaging"; Align-GVGD: "Class C0"). This sequence change replaces proline with arginine at codon 76 of the SLC26A4 protein (p.Pro76Arg). The proline residue is highly conserved and there is a moderate physicochemical difference between proline and arginine. This variant is not present in population databases (ExAC no frequency).

Literature cited by the submitters: PubMed 17718863 (cited by Labcorp Genetics (formerly Invitae), Labcorp); PubMed 17851929 (cited by Labcorp Genetics (formerly Invitae), Labcorp); PubMed 25372295 (cited by Labcorp Genetics (formerly Invitae), Labcorp); PubMed 27792752 (cited by Labcorp Genetics (formerly Invitae), Labcorp).

NM_000441.2(SLC26A4):c.227C>G (p.Pro76Arg)

Gene: SLC26A4 (solute carrier family 26 member 4; plus strand). Cytogenetic location: 7q22.3.
Variant type: single nucleotide variant.
Coding change: c.227C>G on transcript NM_000441.2 (MANE Select); coding-DNA position 227, C replaced by G.
Protein change: p.Pro76Arg; replaces proline 76 with arginine.
Molecular consequence: missense variant.
Genome position (GRCh38, 1-based): chr7:107,663,358, C>G. VCF-style: chr7-107663358-C-G. GRCh37 (hg19) VCF-style: chr7-107303803-C-G.
Other names: short protein forms P76R.
Identifiers: ClinVar variation 1018778 (VCV001018778.9), dbSNP rs1345175795, ClinGen allele CA368845437.
Genomic context (GRCh38, chr7:107,663,358, plus strand): 5'-GTTCAAGAAAGAGAGCCTTTGGTGTGCTAAAGACTCTTGTGCCCATCTTGGAGTGGCTCC[C>G]CAAATACCGAGTCAAGGAATGGCTGCTTAGTGACGTCATTTCGGGAGTTAGTACTGGGCT-3'
Protein context (NP_000432.1, residues 66-86): KTLVPILEWL[Pro76Arg]KYRVKEWLLS